The following is an entry in ClinVar:

ClinVar aggregate classification (germline): Conflicting classifications of pathogenicity. Review status: criteria provided, conflicting classifications (1 of 4 stars). 5 submissions from 5 submitters: Uncertain significance (2); Likely benign (3). Last evaluated 2026-02-02.

Conditions:
Inborn genetic diseases. Identifiers: MedGen C0950123, MeSH D030342.
Developmental and epileptic encephalopathy, 36 (DEE36). Also called: Epileptic encephalopathy, early infantile, 36; Congenital disorder of glycosylation, type Is; ALG13-CDG. Identifiers: Orphanet 324422, MedGen C4317295, MONDO:0010472, OMIM 300884.

Allele frequency attached by ClinVar (database versions not stated): gnomAD exomes 0.00008 and 0.00021; ExAC 0.00009; TOPMed 0.00011; ESP Exome Variant Server 0.00012; gnomAD 0.00013 and 0.00014.
gnomAD v4.1: 243 of 1,178,498 alleles (0.021%); highest among the groups gnomAD compares: South Asian, 0.027%; no homozygotes.

Submissions (5):

Labcorp Genetics (formerly Invitae), Labcorp
Classification: Uncertain significance for Developmental and epileptic encephalopathy, 36. Last evaluated: 2026-02-02. Review status: criteria provided, single submitter. Criteria: Invitae Variant Classification Sherloc (09022015). Collection method: clinical testing. Allele origin: germline.
Comment: This sequence change replaces threonine, which is neutral and polar, with lysine, which is basic and polar, at codon 438 of the ALG13 protein (p.Thr438Lys). The frequency data for this variant in the population databases is considered unreliable, as metrics indicate poor data quality at this position in the gnomAD database. This variant has not been reported in the literature in individuals affected with ALG13-related conditions. ClinVar contains an entry for this variant (Variation ID: 388563). Invitae Evidence Modeling of protein sequence and biophysical properties (such as structural, functional, and spatial information, amino acid conservation, physicochemical variation, residue mobility, and thermodynamic stability) indicates that this missense variant is not expected to disrupt ALG13 protein function with a negative predictive value of 95%. In summary, the available evidence is currently insufficient to determine the role of this variant in disease. Therefore, it has been classified as a Variant of Uncertain Significance.

CeGaT Center for Human Genetics Tuebingen
Classification: Likely benign. Last evaluated: 2025-03-01. Review status: criteria provided, single submitter. Criteria: CeGaT Center For Human Genetics Tuebingen Variant Classification Criteria Version 2. Collection method: clinical testing. Allele origin: germline. Affected: yes. Observed: 2 variant alleles.
Comment: ALG13: BP4, BS2

Blueprint Genetics
Classification: Likely benign. Last evaluated: 2024-05-30. Review status: criteria provided, single submitter. Criteria: ACMG Guidelines, 2015. Collection method: clinical testing. Allele origin: germline.

Ambry Genetics
Classification: Uncertain significance for Inborn genetic diseases. Last evaluated: 2021-08-09. Review status: criteria provided, single submitter. Criteria: Ambry Variant Classification Scheme 2023. Collection method: clinical testing. Allele origin: germline.

GeneDx
Classification: Likely benign. Last evaluated: 2018-06-21. Review status: criteria provided, single submitter. Criteria: GeneDx Variant Classification Process June 2021. Collection method: clinical testing. Allele origin: germline. Affected: yes.

NM_001099922.3(ALG13):c.1313C>A (p.Thr438Lys)

Gene: ALG13 (ALG13 UDP-N-acetylglucosaminyltransferase subunit; plus strand). Cytogenetic location: Xq23.
Variant type: single nucleotide variant.
Coding change: c.1313C>A on transcript NM_001099922.3 (MANE Select); coding-DNA position 1313, C replaced by A.
Protein change: p.Thr438Lys; replaces threonine 438 with lysine.
Molecular consequence: missense variant. On other transcripts: non-coding transcript variant (1).
Genome position (GRCh38, 1-based): chrX:111,720,157, C>A. VCF-style: chrX-111720157-C-A. GRCh37 (hg19) VCF-style: chrX-110963385-C-A.
Other names: c.1001C>A, p.Thr334Lys (NM_001257230.2, NM_001257234.2, NM_001257237.2 and 1 more transcripts); c.1079C>A, p.Thr360Lys (NM_001257231.2); c.1313C>A, p.Thr438Lys (NM_001324292.2); short protein forms T438K, T334K, T360K.
Identifiers: ClinVar variation 388563 (VCV000388563.35), dbSNP rs367783946, ClinGen allele CA10493691.
Genomic context (GRCh38, chrX:111,720,157, plus strand): 5'-TGGAAGAGTGGGGTGCCTGCTACAATGCTGAAAATATACCAGAGGGCTACAATAAAGGAA[C>A]AGAAGAAACAAAGGTTTGATATTTTCTAAGGCAAAGAATTTTCATAGTCTTGGCTTGCAG-3'
Protein context (NP_001093392.1, residues 428-448): ENIPEGYNKG[Thr438Lys]EETKSPENPS